The following is an entry in ClinVar:

ClinVar aggregate classification (germline): Uncertain significance (1 of 4 stars; one submission).

Conditions:
Mast syndrome. Also called: SPASTIC PARAPLEGIA 21, AUTOSOMAL RECESSIVE. Identifiers: Orphanet 101001, MedGen C1855346, MONDO:0009568, OMIM 248900.

Allele frequency attached by ClinVar (database versions not stated): gnomAD exomes below 0.00001; TOPMed below 0.00001.
gnomAD v4.1: 3 of 1,613,960 alleles (0.00019%); highest among the groups gnomAD compares: Non-Finnish European, 0.00025%; no homozygotes.

Submission:

Labcorp Genetics (formerly Invitae), Labcorp
Classification: Uncertain significance for Mast syndrome. Last evaluated: 2020-02-26. Review status: criteria provided, single submitter. Criteria: Invitae Variant Classification Sherloc (09022015). Collection method: clinical testing. Allele origin: germline.
Comment: This variant is not present in population databases (ExAC no frequency). This variant has not been reported in the literature in individuals with SPG21-related conditions. Algorithms developed to predict the effect of missense changes on protein structure and function (SIFT, PolyPhen-2, Align-GVGD) all suggest that this variant is likely to be disruptive, but these predictions have not been confirmed by published functional studies and their clinical significance is uncertain. In summary, the available evidence is currently insufficient to determine the role of this variant in disease. Therefore, it has been classified as a Variant of Uncertain Significance. This sequence change replaces proline with arginine at codon 156 of the SPG21 protein (p.Pro156Arg). The proline residue is highly conserved and there is a moderate physicochemical difference between proline and arginine.

NM_016630.7(SPG21):c.467C>G (p.Pro156Arg)

Gene: SPG21 (SPG21 abhydrolase domain containing, maspardin; minus strand). Cytogenetic location: 15q22.31.
Variant type: single nucleotide variant.
Coding change: c.467C>G on transcript NM_016630.7 (MANE Select); coding-DNA position 467, C replaced by G.
Protein change: p.Pro156Arg; replaces proline 156 with arginine.
Molecular consequence: missense variant.
Genome position (GRCh38, 1-based): chr15:64,970,208, G>C on the plus strand (C>G on the coding strand, the complement: SPG21 is on the minus strand). VCF-style: chr15-64970208-G-C. GRCh37 (hg19) VCF-style: chr15-65262546-G-C.
Other names: c.467C>G, p.Pro156Arg (NM_001127889.5); c.386C>G, p.Pro129Arg (NM_001127890.5); short protein forms P129R, P156R.
Identifiers: ClinVar variation 959485 (VCV000959485.10), dbSNP rs2085634952, ClinGen allele CA392868352.